The following is an entry in ClinVar:

NM_000051.4(ATM):c.1614A>G (p.Ala538=)

Gene: ATM (ATM serine/threonine kinase; plus strand). Cytogenetic location: 11q22.3.
Variant type: single nucleotide variant.
Coding change: c.1614A>G on transcript NM_000051.4 (MANE Select); coding-DNA position 1614, A replaced by G.
Protein change: p.Ala538=; no amino-acid change (alanine 538 retained).
Molecular consequence: synonymous variant.
Genome position (GRCh38, 1-based): chr11:108,251,843, A>G. VCF-style: chr11-108251843-A-G. GRCh37 (hg19) VCF-style: chr11-108122570-A-G.
Other names: c.1614A>G, p.Ala538= (NM_001351834.2).
Identifiers: ClinVar variation 232229 (VCV000232229.13), dbSNP rs876659636, ClinGen allele CA10579017.

ClinVar aggregate classification (germline): Benign/Likely benign. Review status: criteria provided, multiple submitters, no conflicts (2 of 4 stars). 3 submissions from 3 submitters: Benign (1); Likely benign (2). Last evaluated 2024-11-05.

Conditions:
Hereditary cancer-predisposing syndrome. Also called: Hereditary Cancer Syndrome; Neoplastic Syndromes, Hereditary; Tumor predisposition; Hereditary neoplastic syndrome. Identifiers: Orphanet 140162, MedGen C0027672, MeSH D009386, MONDO:0015356.
Familial cancer of breast. Also called: Hereditary breast cancer; hereditary breast carcinoma; BREAST CANCER, FAMILIAL. Identifiers: Orphanet 227535, MedGen C0346153, MONDO:0016419, OMIM 114480. Disease mechanism: loss of function.
Ataxia-telangiectasia syndrome (AT). Also called: Ataxia telangiectasia (A-T); Ataxia-telangiectasia, complementation group E; LOUIS-BAR SYNDROME; Cerebello-oculocutaneous telangiectasia; Immunodeficiency with ataxia telangiectasia; Ataxia-telangiectasia, complementation group D. Identifiers: Orphanet 100, MedGen C0004135, MONDO:0008840, OMIM 208900.

Allele frequency attached by ClinVar (database versions not stated): gnomAD exomes below 0.00001; gnomAD 0.00001.
gnomAD v4.1: 6 of 1,613,708 alleles (0.00037%); highest among the groups gnomAD compares: African/African-American, 0.0027%; no homozygotes.

Submissions (3):

Labcorp Genetics (formerly Invitae), Labcorp
Classification: Likely benign for Ataxia-telangiectasia syndrome. Last evaluated: 2024-11-05. Review status: criteria provided, single submitter. Criteria: Invitae Variant Classification Sherloc (09022015). Collection method: clinical testing. Allele origin: germline.

Myriad Genetics, Inc.
Classification: Benign for Familial cancer of breast. Last evaluated: 2024-04-30. Review status: criteria provided, single submitter. Criteria: Myriad Autosomal Dominant, Autosomal Recessive and X-Linked Classification Criteria (2023). Collection method: clinical testing. Allele origin: unknown.
Comment: This variant is considered benign. This variant is a silent/synonymous amino acid change and it is not expected to impact splicing.

Ambry Genetics
Classification: Likely benign for Hereditary cancer-predisposing syndrome. Last evaluated: 2015-06-04. Review status: criteria provided, single submitter. Criteria: Ambry Variant Classification Scheme 2023. Collection method: clinical testing. Allele origin: germline.